The following is an entry in ClinVar:

ClinVar aggregate classification (germline): Uncertain significance. Review status: criteria provided, multiple submitters, no conflicts (2 of 4 stars). 2 submissions from 2 submitters: Uncertain significance (2). Last evaluated 2023-11-27.

Allele frequency attached by ClinVar (database versions not stated): gnomAD exomes below 0.00001 and 0.00004; gnomAD 0.00001; TOPMed 0.00001.
gnomAD v4.1: 8 of 1,440,856 alleles (0.00056%); highest among the groups gnomAD compares: Admixed American, 0.013%; no homozygotes.

Submissions (2):

Labcorp Genetics (formerly Invitae), Labcorp
Classification: Uncertain significance. Last evaluated: 2023-11-27. Review status: criteria provided, single submitter. Criteria: Invitae Variant Classification Sherloc (09022015). Collection method: clinical testing. Allele origin: germline.
Comment: This sequence change replaces alanine, which is neutral and non-polar, with valine, which is neutral and non-polar, at codon 16 of the ABHD12 protein (p.Ala16Val). The frequency data for this variant in the population databases is considered unreliable, as metrics indicate poor data quality at this position in the gnomAD database. This variant has not been reported in the literature in individuals affected with ABHD12-related conditions. ClinVar contains an entry for this variant (Variation ID: 1474440). Algorithms developed to predict the effect of missense changes on protein structure and function output the following: SIFT: "Not Available"; PolyPhen-2: "Benign"; Align-GVGD: "Not Available". The valine amino acid residue is found in multiple mammalian species, which suggests that this missense change does not adversely affect protein function. In summary, the available evidence is currently insufficient to determine the role of this variant in disease. Therefore, it has been classified as a Variant of Uncertain Significance.

Blueprint Genetics
Classification: Uncertain significance. Last evaluated: 2018-04-16. Review status: criteria provided, single submitter. Criteria: ACMG Guidelines, 2015. Collection method: clinical testing. Allele origin: germline.

NM_001042472.3(ABHD12):c.47C>T (p.Ala16Val)

Genes: ABHD12 (abhydrolase domain containing 12, lysophospholipase; minus strand), LOC130065586 (ATAC-STARR-seq lymphoblastoid silent region 12752; plus strand). Cytogenetic location: 20p11.21.
Variant type: single nucleotide variant.
Coding change: c.47C>T on transcript NM_001042472.3 (MANE Select); coding-DNA position 47, C replaced by T.
Protein change: p.Ala16Val; replaces alanine 16 with valine.
Molecular consequence: missense variant.
Genome position (GRCh38, 1-based): chr20:25,390,657, G>A on the plus strand (C>T on the coding strand, the complement: ABHD12 is on the minus strand). VCF-style: chr20-25390657-G-A. GRCh37 (hg19) VCF-style: chr20-25371293-G-A.
Other names: c.47C>T, p.Ala16Val (NM_015600.5); short protein forms A16V.
Identifiers: ClinVar variation 1474440 (VCV001474440.7), dbSNP rs1002517459, ClinGen allele CA313686235.